The following is an entry in ClinVar:

NM_004360.5(CDH1):c.1549A>G (p.Met517Val)

Gene: CDH1 (cadherin 1; plus strand). Cytogenetic location: 16q22.1.
Variant type: single nucleotide variant.
Coding change: c.1549A>G on transcript NM_004360.5 (MANE Select); coding-DNA position 1549, A replaced by G.
Protein change: p.Met517Val; replaces methionine 517 with valine.
Molecular consequence: missense variant. On other transcripts: initiator codon variant (1), 5 prime UTR variant (1).
Genome position (GRCh38, 1-based): chr16:68,815,743, A>G. VCF-style: chr16-68815743-A-G. GRCh37 (hg19) VCF-style: chr16-68849646-A-G.
Other names: c.1549A>G (LRG_301t1); c.1366A>G, p.Met456Val (NM_001317184.2); c.1A>G, p.Met1Val (NM_001317185.2); c.-271A>G (NM_001317186.2); short protein forms M517V, M456V, M1V.
Identifiers: ClinVar variation 229694 (VCV000229694.18), dbSNP rs876658146, ClinGen allele CA10580122.
Genomic context (GRCh38, chr16:68,815,743, plus strand): 5'-GAGGACTTTGGCGTGGGCCAGGAAATCACATCCTACACTGCCCAGGAGCCAGACACATTT[A>G]TGGAACAGAAAATAACGTAAGTGTGAGGATTTTTCAACTGACTTGCAGCAACTGGTTATT-3'
Protein context (NP_004351.1, residues 507-527): SYTAQEPDTF[Met517Val]EQKITYRIWR

ClinVar aggregate classification (germline): Conflicting classifications of pathogenicity. Review status: criteria provided, conflicting classifications (1 of 4 stars). 2 submissions from 2 submitters: Uncertain significance (1); Likely benign (1). Last evaluated 2026-08-07.

Conditions:
Hereditary cancer-predisposing syndrome. Also called: Tumor predisposition; Neoplastic Syndromes, Hereditary; Hereditary Cancer Syndrome; Hereditary neoplastic syndrome. Identifiers: Orphanet 140162, MedGen C0027672, MeSH D009386, MONDO:0015356.
Hereditary diffuse gastric adenocarcinoma (HDGC). Also called: DIFFUSE GASTRIC AND LOBULAR BREAST CANCER SYNDROME. Identifiers: Orphanet 26106, MedGen C1708349, MONDO:0007648, OMIM 137215.

Submissions (2):

Ambry Genetics
Classification: Likely benign for Hereditary cancer-predisposing syndrome. Last evaluated: 2026-08-07. Review status: criteria provided, single submitter. Criteria: Ambry Variant Classification Scheme 2023. Collection method: clinical testing. Allele origin: germline.

Labcorp Genetics (formerly Invitae), Labcorp
Classification: Uncertain significance for Hereditary diffuse gastric adenocarcinoma. Last evaluated: 2019-11-11. Review status: criteria provided, single submitter. Criteria: Invitae Variant Classification Sherloc (09022015). Collection method: clinical testing. Allele origin: germline.
Comment: This variant has been observed in individual(s) with clinical features of hereditary diffuse gastric cancer (Invitae). ClinVar contains an entry for this variant (Variation ID: 229694). Algorithms developed to predict the effect of missense changes on protein structure and function (SIFT, PolyPhen-2, Align-GVGD) all suggest that this variant is likely to be tolerated, but these predictions have not been confirmed by published functional studies and their clinical significance is uncertain. In summary, the available evidence is currently insufficient to determine the role of this variant in disease. Therefore, it has been classified as a Variant of Uncertain Significance. This sequence change replaces methionine with valine at codon 517 of the CDH1 protein (p.Met517Val). The methionine residue is moderately conserved and there is a small physicochemical difference between methionine and valine. This variant is not present in population databases (ExAC no frequency).